The following is an entry in ClinVar:

ClinVar aggregate classification (germline): Uncertain significance (1 of 4 stars; one submission).

Allele frequency attached by ClinVar (database versions not stated): gnomAD exomes below 0.00001.
gnomAD v4.1: 1 of 1,608,730 alleles (0.000062%); highest among the groups gnomAD compares: Non-Finnish European, 0.000085%; no homozygotes.

Submission:

Ambry Genetics
Classification: Uncertain significance. Last evaluated: 2023-09-17. Review status: criteria provided, single submitter. Criteria: Ambry Variant Classification Scheme 2023. Collection method: clinical testing. Allele origin: germline.
Comment: The p.D1415N variant (also known as c.4243G>A), located in coding exon 18 of the NPAT gene, results from a G to A substitution at nucleotide position 4243. The aspartic acid at codon 1415 is replaced by asparagine, an amino acid with highly similar properties. This amino acid position is conserved. In addition, this alteration is predicted to be tolerated by in silico analysis. Since supporting evidence is limited at this time, the clinical significance of this alteration remains unclear.

NM_002519.3(NPAT):c.4243G>A (p.Asp1415Asn)

Gene: NPAT (nuclear protein, coactivator of histone transcription; minus strand). Cytogenetic location: 11q22.3.
Variant type: single nucleotide variant.
Coding change: c.4243G>A on transcript NM_002519.3 (MANE Select); coding-DNA position 4243, G replaced by A.
Protein change: p.Asp1415Asn; replaces aspartic acid 1415 with asparagine.
Molecular consequence: missense variant.
Genome position (GRCh38, 1-based): chr11:108,158,983, C>T on the plus strand (G>A on the coding strand, the complement: NPAT is on the minus strand). VCF-style: chr11-108158983-C-T. GRCh37 (hg19) VCF-style: chr11-108029710-C-T.
Other names: c.4264G>A, p.Asp1422Asn (NM_001321307.1); short protein forms D1415N, D1422N.
Identifiers: ClinVar variation 3222626 (VCV003222626.1), dbSNP rs2496688718, ClinGen allele CA382509044.